The following is an entry in ClinVar:

NM_002354.3(EPCAM):c.287A>T (p.Asp96Val)

Gene: EPCAM (epithelial cell adhesion molecule; plus strand). Cytogenetic location: 2p21.
Variant type: single nucleotide variant.
Coding change: c.287A>T on transcript NM_002354.3 (MANE Select); coding-DNA position 287, A replaced by T.
Protein change: p.Asp96Val; replaces aspartic acid 96 with valine.
Molecular consequence: missense variant.
Genome position (GRCh38, 1-based): chr2:47,373,910, A>T. VCF-style: chr2-47373910-A-T. GRCh37 (hg19) VCF-style: chr2-47601049-A-T.
Other names: short protein forms D96V.
Identifiers: ClinVar variation 5036032 (VCV005036032.1).

ClinVar aggregate classification (germline): Uncertain significance (1 of 4 stars; one submission).

Conditions:
Hereditary cancer-predisposing syndrome. Also called: Hereditary Cancer Syndrome; Neoplastic Syndromes, Hereditary; Tumor predisposition; Hereditary neoplastic syndrome. Identifiers: Orphanet 140162, MedGen C0027672, MeSH D009386, MONDO:0015356.

gnomAD v4.1: 1 of 1,614,102 alleles (0.000062%); highest among the groups gnomAD compares: South Asian, 0.0011%; no homozygotes.

Submission:

Ambry Genetics
Classification: Uncertain significance for Hereditary cancer-predisposing syndrome. Last evaluated: 2026-08-12. Review status: criteria provided, single submitter. Criteria: Ambry Variant Classification Scheme 2023. Collection method: clinical testing. Allele origin: germline.
Comment: The p.D96V variant (also known as c.287A>T), located in coding exon 3 of the EPCAM gene, results from an A to T substitution at nucleotide position 287. The aspartic acid at codon 96 is replaced by valine, an amino acid with highly dissimilar properties. This amino acid position is conserved. In addition, this alteration is predicted to be deleterious by in silico analysis. Based on the available evidence, the clinical significance of this variant remains unclear.